The following is an entry in ClinVar:

ClinVar aggregate classification (germline): Pathogenic (1 of 4 stars; one submission).

Conditions:
Primary ciliary dyskinesia. Also called: Ciliary dyskinesia. Identifiers: Orphanet 244, MedGen C0008780, MONDO:0016575, HP:0012265.

Allele frequency attached by ClinVar (database versions not stated): gnomAD exomes below 0.00001; ExAC 0.00001.
gnomAD v4.1: 1 of 1,614,216 alleles (0.000062%); highest among the groups gnomAD compares: Non-Finnish European, 0.000085%; no homozygotes.

Submission:

Labcorp Genetics (formerly Invitae), Labcorp
Classification: Pathogenic for Primary ciliary dyskinesia. Last evaluated: 2023-07-28. Review status: criteria provided, single submitter. Criteria: Invitae Variant Classification Sherloc (09022015). Collection method: clinical testing. Allele origin: germline.
Comment: For these reasons, this variant has been classified as Pathogenic. This variant has not been reported in the literature in individuals affected with CCDC40-related conditions. This variant is present in population databases (rs747620444, gnomAD 0.0009%). This sequence change creates a premature translational stop signal (p.Gln566*) in the CCDC40 gene. It is expected to result in an absent or disrupted protein product. Loss-of-function variants in CCDC40 are known to be pathogenic (PMID: 21131974, 22693285, 23255504).

Literature cited by the submitters: PubMed 21131974; PubMed 22693285; PubMed 23255504.

NM_017950.4(CCDC40):c.1696C>T (p.Gln566Ter)

Gene: CCDC40 (coiled-coil domain 40 molecular ruler complex subunit; plus strand). Cytogenetic location: 17q25.3.
Variant type: single nucleotide variant.
Coding change: c.1696C>T on transcript NM_017950.4 (MANE Select); coding-DNA position 1696, C replaced by T.
Protein change: p.Gln566Ter; replaces glutamine 566 with a stop codon.
Molecular consequence: nonsense.
Genome position (GRCh38, 1-based): chr17:80,081,679, C>T. VCF-style: chr17-80081679-C-T. GRCh37 (hg19) VCF-style: chr17-78055478-C-T.
Other names: c.1696C>T, p.Gln566Ter (NM_001243342.2); short protein forms Q566*.
Identifiers: ClinVar variation 2747974 (VCV002747974.3), dbSNP rs747620444, ClinGen allele CA8814000.